The following is an entry in ClinVar:

ClinVar aggregate classification (germline): Likely benign (1 of 4 stars; one submission).

Submission:

CeGaT Center for Human Genetics Tuebingen
Classification: Likely benign. Last evaluated: 2023-06-01. Review status: criteria provided, single submitter. Criteria: CeGaT Center For Human Genetics Tuebingen Variant Classification Criteria Version 2. Collection method: clinical testing. Allele origin: germline. Affected: yes. Observed: 1 variant allele.
Comment: SETBP1: PM2:Supporting, BP4, BP5

NM_015559.3(SETBP1):c.3528C>T (p.Gly1176=)

Gene: SETBP1 (SET binding protein 1; plus strand). Cytogenetic location: 18q12.3.
Variant type: single nucleotide variant.
Coding change: c.3528C>T on transcript NM_015559.3 (MANE Select); coding-DNA position 3528, C replaced by T.
Protein change: p.Gly1176=; no amino-acid change (glycine 1176 retained).
Molecular consequence: synonymous variant.
Genome position (GRCh38, 1-based): chr18:44,952,868, C>T. VCF-style: chr18-44952868-C-T. GRCh37 (hg19) VCF-style: chr18-42532833-C-T.
Other names: c.3528C>T, p.Gly1176= (NM_001379141.1, NM_001379142.1, NM_001410862.1).
Identifiers: ClinVar variation 2648693 (VCV002648693.24), dbSNP rs2511476281, ClinGen allele CA503982795.
Genomic context (GRCh38, chr18:44,952,868, plus strand): 5'-TAAGCACAAGGAAGACCGGATCCTAGGGACCCATGACAACCTGAGTGGTCTTTTTGCAGG[C>T]AAAGCCACAGGCTTCTCCAGCCACATCCTGAGCGAGCGGCTGAGTAGCGCAGACAAAGAG-3'
Protein context (NP_056374.2, residues 1166-1186): THDNLSGLFA[Gly1176=]KATGFSSHIL